The following is an entry in ClinVar:

NM_001166108.2(PALLD):c.1965-12582_1965-12577dup

Gene: PALLD (palladin, cytoskeletal associated protein; plus strand). Cytogenetic location: 4q32.3.
Variant type: Duplication.
Coding change: c.1965-12582_1965-12577dup on transcript NM_001166108.2 (MANE Select); 12582 bases into the intron before coding-DNA position 1965 through 12577 bases into the intron before coding-DNA position 1965, 6 bases duplicated (AGCCGC; older notation c.1965-12582_1965-12577dupAGCCGC).
Molecular consequence: intron variant. On other transcripts: inframe insertion (1).
Genome position (GRCh38, 1-based): chr4:168,878,340-168,878,345, AGCCGC duplicated; duplicating any 6 consecutive bases within chr4:168,878,337-168,878,345 gives the same sequence; the c. name uses the placement nearest the transcript's 3' end. VCF-style (leftmost placement, unchanged base first): chr4-168878336-T-TCGCAGC. GRCh37 (hg19) VCF-style: chr4-169799487-T-TCGCAGC.
Other names: c.449_454dup, p.Pro151_Pro152insGlnPro (NM_001166110.2); c.1965-12582_1965-12577dup (NM_016081.4); c.819-12582_819-12577dup (NM_001166109.2); c.-157-12582_-157-12577dup (NM_001367570.1, NM_001367568.1, NM_001367567.1 and 1 more transcripts).
Identifiers: ClinVar variation 2012042 (VCV002012042.4), dbSNP rs1730308771, ClinGen allele CA1511730037.

ClinVar aggregate classification (germline): Uncertain significance (1 of 4 stars; one submission).

Conditions:
Pancreatic adenocarcinoma. Identifiers: MedGen C0281361, MONDO:0006047, HP:0006725.

Submission:

Labcorp Genetics (formerly Invitae), Labcorp
Classification: Uncertain significance for Pancreatic adenocarcinoma. Last evaluated: 2022-06-29. Review status: criteria provided, single submitter. Criteria: Invitae Variant Classification Sherloc (09022015). Collection method: clinical testing. Allele origin: germline.
Comment: This variant, c.449_454dup, results in the insertion of 2 amino acid(s) of the PALLD protein (p.Gln150_Pro151dup), but otherwise preserves the integrity of the reading frame. This variant is not present in population databases (gnomAD no frequency). This variant has not been reported in the literature in individuals affected with PALLD-related conditions. In summary, the available evidence is currently insufficient to determine the role of this variant in disease. Therefore, it has been classified as a Variant of Uncertain Significance.